The following is an entry in ClinVar:

ClinVar aggregate classification (germline): Uncertain significance (1 of 4 stars; one submission).

Conditions:
CHARGE syndrome (CHARGE). Also called: Hittner Hirsch Kreh syndrome; CHARGE ASSOCIATION--COLOBOMA, HEART ANOMALY, CHOANAL ATRESIA, RETARDATION, GENITAL AND EAR ANOMALIES; Coloboma, heart anomaly, choanal atresia, retardation, genital and ear anomalies; CHARGE association; Hall-Hittner syndrome. Identifiers: Orphanet 138, MedGen C0265354, MONDO:0008965.

gnomAD v4.1: 1 of 1,607,156 alleles (0.000062%); highest among the groups gnomAD compares: Non-Finnish European, 0.000085%; no homozygotes.

Submission:

Labcorp Genetics (formerly Invitae), Labcorp
Classification: Uncertain significance for CHARGE syndrome. Last evaluated: 2025-10-19. Review status: criteria provided, single submitter. Criteria: Invitae Variant Classification Sherloc (09022015). Collection method: clinical testing. Allele origin: germline.
Comment: This sequence change replaces glycine, which is neutral and non-polar, with valine, which is neutral and non-polar, at codon 2912 of the CHD7 protein (p.Gly2912Val). This variant is not present in population databases (gnomAD no frequency). This variant has not been reported in the literature in individuals affected with CHD7-related conditions. Invitae Evidence Modeling of protein sequence and biophysical properties (such as structural, functional, and spatial information, amino acid conservation, physicochemical variation, residue mobility, and thermodynamic stability) has been performed for this missense variant. However, the output from this modeling did not meet the statistical confidence thresholds required to predict the impact of this variant on CHD7 protein function. In summary, the available evidence is currently insufficient to determine the role of this variant in disease. Therefore, it has been classified as a Variant of Uncertain Significance.

NM_017780.4(CHD7):c.8735G>T (p.Gly2912Val)

Gene: CHD7 (chromodomain helicase DNA binding protein 7; plus strand). Cytogenetic location: 8q12.2.
Variant type: single nucleotide variant.
Coding change: c.8735G>T on transcript NM_017780.4 (MANE Select); coding-DNA position 8735, G replaced by T.
Protein change: p.Gly2912Val; replaces glycine 2912 with valine.
Molecular consequence: missense variant.
Genome position (GRCh38, 1-based): chr8:60,865,674, G>T. VCF-style: chr8-60865674-G-T. GRCh37 (hg19) VCF-style: chr8-61778233-G-T.
Other names: c.2588G>T, p.Gly863Val (NM_001316690.1); short protein forms G2912V, G863V.
Identifiers: ClinVar variation 4802754 (VCV004802754.1).